The following is an entry in ClinVar:

ClinVar aggregate classification (germline): Uncertain significance (1 of 4 stars; one submission).

Conditions:
Long QT syndrome (LQTS). Identifiers: MedGen C0023976, MeSH D008133, MONDO:0002442. Disease mechanism: loss of function. Inheritance: Various modes of inheritance.

gnomAD v4.1: 1 of 1,304,316 alleles (0.000077%); highest among the groups gnomAD compares: Non-Finnish European, 0.000097%; no homozygotes.

Submission:

Labcorp Genetics (formerly Invitae), Labcorp
Classification: Uncertain significance for Long QT syndrome. Last evaluated: 2025-07-06. Review status: criteria provided, single submitter. Criteria: Invitae Variant Classification Sherloc (09022015). Collection method: clinical testing. Allele origin: germline.
Comment: This sequence change replaces arginine, which is basic and polar, with histidine, which is basic and polar, at codon 281 of the KCNH2 protein (p.Arg281His). This variant is not present in population databases (gnomAD no frequency). This variant has not been reported in the literature in individuals affected with KCNH2-related conditions. ClinVar contains an entry for this variant (Variation ID: 2117712). An algorithm developed to predict the effect of missense changes on protein structure and function (PolyPhen-2) suggests that this variant is likely to be tolerated. In summary, the available evidence is currently insufficient to determine the role of this variant in disease. Therefore, it has been classified as a Variant of Uncertain Significance.

NM_000238.4(KCNH2):c.842G>A (p.Arg281His)

Gene: KCNH2 (potassium voltage-gated channel subfamily H member 2; minus strand). Cytogenetic location: 7q36.1.
Variant type: single nucleotide variant.
Coding change: c.842G>A on transcript NM_000238.4 (MANE Select); coding-DNA position 842, G replaced by A.
Protein change: p.Arg281His; replaces arginine 281 with histidine.
Molecular consequence: missense variant.
Genome position (GRCh38, 1-based): chr7:150,958,133, C>T on the plus strand (G>A on the coding strand, the complement: KCNH2 is on the minus strand). VCF-style: chr7-150958133-C-T. GRCh37 (hg19) VCF-style: chr7-150655221-C-T.
Other names: c.554G>A, p.Arg185His (NM_001406753.1, NM_001406756.1); c.665G>A, p.Arg222His (NM_001406755.1); c.542G>A, p.Arg181His (NM_001406757.1); c.842G>A, p.Arg281His (NM_172056.3); short protein forms R181H, R185H, R222H, R281H.
Identifiers: ClinVar variation 2117712 (VCV002117712.3), dbSNP rs1415444609, ClinGen allele CA369862290.